The following is an entry in ClinVar:

ClinVar aggregate classification (germline): Uncertain significance. Review status: criteria provided, multiple submitters, no conflicts (2 of 4 stars). 2 submissions from 2 submitters: Uncertain significance (2). Last evaluated 2024-09-19.

Conditions:
Hereditary cancer-predisposing syndrome. Also called: Neoplastic Syndromes, Hereditary; Hereditary Cancer Syndrome; Tumor predisposition; Hereditary neoplastic syndrome. Identifiers: Orphanet 140162, MedGen C0027672, MeSH D009386, MONDO:0015356.
Hereditary nonpolyposis colorectal neoplasms. Identifiers: MedGen C0009405, MeSH D003123.

Submissions (2):

Labcorp Genetics (formerly Invitae), Labcorp
Classification: Uncertain significance for Hereditary nonpolyposis colorectal neoplasms. Last evaluated: 2024-09-19. Review status: criteria provided, single submitter. Criteria: Invitae Variant Classification Sherloc (09022015). Collection method: clinical testing. Allele origin: germline.
Comment: This sequence change replaces glycine, which is neutral and non-polar, with glutamic acid, which is acidic and polar, at codon 566 of the MSH6 protein (p.Gly566Glu). This variant is not present in population databases (gnomAD no frequency). This variant has not been reported in the literature in individuals affected with MSH6-related conditions. ClinVar contains an entry for this variant (Variation ID: 854367). Invitae Evidence Modeling of protein sequence and biophysical properties (such as structural, functional, and spatial information, amino acid conservation, physicochemical variation, residue mobility, and thermodynamic stability) has been performed for this missense variant. However, the output from this modeling did not meet the statistical confidence thresholds required to predict the impact of this variant on MSH6 protein function. In summary, the available evidence is currently insufficient to determine the role of this variant in disease. Therefore, it has been classified as a Variant of Uncertain Significance.

Color Diagnostics, LLC DBA Color Health
Classification: Uncertain significance for Hereditary cancer-predisposing syndrome. Last evaluated: 2020-10-13. Review status: criteria provided, single submitter. Criteria: ACMG Guidelines, 2015. Collection method: clinical testing. Allele origin: germline.
Comment: This missense variant replaces glycine with glutamic acid at codon 566 of the MSH6 protein. Computational prediction suggests that this variant may have deleterious impact on protein structure and function (internally defined REVEL score threshold >= 0.7, PMID: 27666373). To our knowledge, functional studies have not been reported for this variant. This variant has not been reported in individuals affected with hereditary cancer in the literature. This variant has not been identified in the general population by the Genome Aggregation Database (gnomAD). The available evidence is insufficient to determine the role of this variant in disease conclusively. Therefore, this variant is classified as a Variant of Uncertain Significance.

NM_000179.3(MSH6):c.1697G>A (p.Gly566Glu)

Gene: MSH6 (mutS homolog 6; plus strand). Cytogenetic location: 2p16.3.
Variant type: single nucleotide variant.
Coding change: c.1697G>A on transcript NM_000179.3 (MANE Select); coding-DNA position 1697, G replaced by A.
Protein change: p.Gly566Glu; replaces glycine 566 with glutamic acid.
Molecular consequence: missense variant.
Genome position (GRCh38, 1-based): chr2:47,799,680, G>A. VCF-style: chr2-47799680-G-A. GRCh37 (hg19) VCF-style: chr2-48026819-G-A.
Other names: c.1307G>A, p.Gly436Glu (NM_001281492.2); c.791G>A, p.Gly264Glu (NM_001281493.2, NM_001281494.2); short protein forms G436E, G264E, G566E.
Identifiers: ClinVar variation 854367 (VCV000854367.12), dbSNP rs758990693, ClinGen allele CA346747548.